The following is an entry in ClinVar:

NM_001367624.2(ZNF469):c.9446T>C (p.Val3149Ala)

Gene: ZNF469 (zinc finger protein 469; plus strand). Cytogenetic location: 16q24.2.
Variant type: single nucleotide variant.
Coding change: c.9446T>C on transcript NM_001367624.2 (MANE Select); coding-DNA position 9446, T replaced by C.
Protein change: p.Val3149Ala; replaces valine 3149 with alanine.
Molecular consequence: missense variant.
Genome position (GRCh38, 1-based): chr16:88,436,916, T>C. VCF-style: chr16-88436916-T-C. GRCh37 (hg19) VCF-style: chr16-88503324-T-C.
Other names: NM_001127464.1:c.9362T>C; short protein forms V3149A.
Identifiers: ClinVar variation 1766687 (VCV001766687.2), dbSNP rs1439346452, ClinGen allele CA397122331.

ClinVar aggregate classification (germline): Uncertain significance (1 of 4 stars; one submission).

Conditions:
Cardiovascular phenotype. Identifiers: MedGen CN230736.

gnomAD v4.1: 6 of 1,500,506 alleles (0.0004%); highest among the groups gnomAD compares: Non-Finnish European, 0.00053%; no homozygotes.

Submission:

Ambry Genetics
Classification: Uncertain significance for Cardiovascular phenotype. Last evaluated: 2022-10-09. Review status: criteria provided, single submitter. Criteria: Ambry Variant Classification Scheme 2023. Collection method: clinical testing. Allele origin: germline.
Comment: The p.V3121A variant (also known as c.9362T>C), located in coding exon 2 of the ZNF469 gene, results from a T to C substitution at nucleotide position 9362. The valine at codon 3121 is replaced by alanine, an amino acid with similar properties. This amino acid position is conserved. In addition, this alteration is predicted to be tolerated by in silico analysis. Since supporting evidence is limited at this time, the clinical significance of this alteration remains unclear.